The following is an entry in ClinVar:

NM_176824.3(BBS7):c.136T>G (p.Cys46Gly)

Gene: BBS7 (Bardet-Biedl syndrome 7; minus strand). Cytogenetic location: 4q27.
Variant type: single nucleotide variant.
Coding change: c.136T>G on transcript NM_176824.3 (MANE Select); coding-DNA position 136, T replaced by G.
Protein change: p.Cys46Gly; replaces cysteine 46 with glycine.
Molecular consequence: missense variant.
Genome position (GRCh38, 1-based): chr4:121,863,246, A>C on the plus strand (T>G on the coding strand, the complement: BBS7 is on the minus strand). VCF-style: chr4-121863246-A-C. GRCh37 (hg19) VCF-style: chr4-122784401-A-C.
Other names: c.136T>G, p.Cys46Gly (NM_018190.4); short protein forms C46G.
Identifiers: ClinVar variation 1719312 (VCV001719312.5), dbSNP rs2476584471, ClinGen allele CA358045145.

ClinVar aggregate classification (germline): Uncertain significance (1 of 4 stars; one submission).

Conditions:
Bardet-Biedl syndrome (BBS). Identifiers: Orphanet 110, MedGen C0752166, MONDO:0015229.

Allele frequency attached by ClinVar (database versions not stated): gnomAD exomes below 0.00001.
gnomAD v4.1: 1 of 1,613,970 alleles (0.000062%); no homozygotes.

Submission:

Labcorp Genetics (formerly Invitae), Labcorp
Classification: Uncertain significance for Bardet-Biedl syndrome. Last evaluated: 2022-09-13. Review status: criteria provided, single submitter. Criteria: Invitae Variant Classification Sherloc (09022015). Collection method: clinical testing. Allele origin: germline.
Comment: In summary, the available evidence is currently insufficient to determine the role of this variant in disease. Therefore, it has been classified as a Variant of Uncertain Significance. Algorithms developed to predict the effect of missense changes on protein structure and function (SIFT, PolyPhen-2, Align-GVGD) all suggest that this variant is likely to be disruptive. This variant has not been reported in the literature in individuals affected with BBS7-related conditions. This variant is not present in population databases (gnomAD no frequency). This sequence change replaces cysteine, which is neutral and slightly polar, with glycine, which is neutral and non-polar, at codon 46 of the BBS7 protein (p.Cys46Gly).